The following is an entry in ClinVar:

ClinVar aggregate classification (germline): Likely benign (0 of 4 stars; one submission).

Conditions:
NCOR2-related disorder. Also called: NCOR2-related condition.

Allele frequency attached by ClinVar (database versions not stated): TOPMed below 0.00001; gnomAD 0.00001.

Submission:

PreventionGenetics, part of Exact Sciences
Classification: Likely benign for NCOR2-related condition. Last evaluated: 2019-11-04. Review status: no assertion criteria provided. Collection method: clinical testing. Allele origin: germline.
Comment: This variant is classified as likely benign based on ACMG/AMP sequence variant interpretation guidelines (Richards et al. 2015 PMID: 25741868, with internal and published modifications).

NM_006312.6(NCOR2):c.1497G>A (p.Gln499=)

Gene: NCOR2 (nuclear receptor corepressor 2; minus strand). Cytogenetic location: 12q24.31.
Variant type: single nucleotide variant.
Coding change: c.1497G>A on transcript NM_006312.6 (MANE Select); coding-DNA position 1497, G replaced by A.
Protein change: p.Gln499=; no amino-acid change (glutamine 499 retained).
Molecular consequence: synonymous variant.
Genome position (GRCh38, 1-based): chr12:124,402,547, C>T on the plus strand (G>A on the coding strand, the complement: NCOR2 is on the minus strand). VCF-style: chr12-124402547-C-T. GRCh37 (hg19) VCF-style: chr12-124887093-C-T.
Other names: c.1494G>A, p.Gln498= (NM_001077261.4, NM_001206654.2).
Identifiers: ClinVar variation 3045071 (VCV003045071.2), dbSNP rs1324939077, ClinGen allele CA482286773.